The following is an entry in ClinVar:

ClinVar aggregate classification (germline): Benign (1 of 4 stars; one submission).

Allele frequency attached by ClinVar (database versions not stated): 1000 Genomes Project 0.48283; 1000 Genomes Project 30x 0.48345; TOPMed 0.55768; gnomAD 0.57734 and 0.57757.
gnomAD v4.1: 87,955 of 152,134 alleles (58%); highest among the groups gnomAD compares: Non-Finnish European, 69%; 27,501 homozygotes.

Submission:

GeneDx
Classification: Benign. Last evaluated: 2018-06-14. Review status: criteria provided, single submitter. Criteria: GeneDx Variant Classification (06012015). Collection method: clinical testing. Allele origin: germline. Affected: yes.
Comment: This variant is considered likely benign or benign based on one or more of the following criteria: it is a conservative change, it occurs at a poorly conserved position in the protein, it is predicted to be benign by multiple in silico algorithms, and/or has population frequency not consistent with disease.

NM_032578.4(MYPN):c.1600+214C>T

Gene: MYPN (myopalladin; plus strand). Cytogenetic location: 10q21.3.
Variant type: single nucleotide variant.
Coding change: c.1600+214C>T on transcript NM_032578.4 (MANE Select); 214 bases into the intron after coding-DNA position 1600, C replaced by T.
Molecular consequence: intron variant.
Genome position (GRCh38, 1-based): chr10:68,166,032, C>T. VCF-style: chr10-68166032-C-T. GRCh37 (hg19) VCF-style: chr10-69925789-C-T.
Other names: c.1600+214C>T (NM_001256267.2); c.718+214C>T (NM_001256268.2).
Identifiers: ClinVar variation 672832 (VCV000672832.1), dbSNP rs2634709, ClinGen allele CA13222917.
Genomic context (GRCh38, chr10:68,166,032, plus strand): 5'-TCCAATTTTCAACTTCTTATTGCGCTTACAGCCACCACCCCAGTTAACCTGCTGTCATCA[C>T]TATATTTCCTGAGAACATCTCCTCAATAAATTTCTAAATTTCTTTCCAAAAGGGTACTTA-3'